The following continues an entry in ClinVar:

NM_000277.3(PAH):c.1066-11G>A

Gene: PAH. ClinVar aggregate classification (germline): Pathogenic. Pathogenic (1).

Submissions 29 to 37 of 37:

Hadassah Hebrew University Medical Center
Classification: Pathogenic for Phenylketonuria. Review status: criteria provided, single submitter. Criteria: ACMG Guidelines, 2015. Collection method: research. Allele origin: germline. Affected: no. Observed: 2 variant alleles. Not counted in ClinVar's aggregate classification.

Juno Genomics, Hangzhou Juno Genomics, Inc
Classification: Pathogenic for Phenylketonuria. Review status: criteria provided, single submitter. Criteria: ACMG Guidelines, 2015. Collection method: clinical testing. Allele origin: germline. Affected: yes. Not counted in ClinVar's aggregate classification.
Comment: For recessive disorders, detected in trans with a pathogenic variant.;Well-established in vitro or in vivo functional studies supportive of a damaging effect on the gene or gene product.;Patient's phenotype or family history is highly specific for a disease with a single genetic etiology.

Kariminejad - Najmabadi Pathology & Genetics Center
Classification: Pathogenic for Phenylketonuria. Review status: criteria provided, single submitter. Criteria: ACMG Guidelines, 2015. Collection method: clinical testing. Allele origin: germline. Affected: no. Not counted in ClinVar's aggregate classification.

Clinical Laboratory Sciences Program (CLSP), King Saud bin Abdulaziz University for Health Sciences (KSAU-HS)
Classification: Pathogenic for Phenylketonuria. Last evaluated: 2023-04-01. Review status: no assertion criteria provided. Collection method: clinical testing. Allele origin: germline. Affected: yes. Not counted in ClinVar's aggregate classification.

OMIM
Classification: Pathogenic for PHENYLKETONURIA. Last evaluated: 2007-08-15. Review status: no assertion criteria provided. Collection method: literature only. Allele origin: germline. Not counted in ClinVar's aggregate classification.

DeBelle Laboratory for Biochemical Genetics, MUHC/MCH RESEARCH INSTITUTE
No classification provided. Review status: no classification provided. Collection method: not provided. Allele origin: not provided. Not counted in ClinVar's aggregate classification.

GeneReviews
No classification provided. Condition: Phenylketonuria. Review status: no classification provided. Collection method: literature only. Allele origin: germline. Affected: yes. Not counted in ClinVar's aggregate classification.

Genome Diagnostics Laboratory, University Medical Center Utrecht
Classification: Pathogenic. Review status: no assertion criteria provided. Collection method: clinical testing. Allele origin: germline. Affected: yes. Study: VKGL Data-share Consensus. Not counted in ClinVar's aggregate classification.

Joint Genome Diagnostic Labs from Nijmegen and Maastricht, Radboudumc and MUMC+
Classification: Pathogenic. Review status: no assertion criteria provided. Collection method: clinical testing. Allele origin: germline. Affected: yes. Study: VKGL Data-share Consensus. Not counted in ClinVar's aggregate classification.

Literature cited by the submitters: PubMed 1769645 (cited by 7 submitters); PubMed 12655546 (cited by 4 submitters); PubMed 23500595 (cited by 6 submitters); PubMed 24296287 (cited by 3 submitters); PubMed 25596310 (cited by 3 submitters); PubMed 32533790 (cited by Ambry Genetics); PubMed 32905092 (cited by Ambry Genetics); PubMed 33375644 (cited by Ambry Genetics); PubMed 1601425 (cited by Labcorp Genetics (formerly Invitae), Labcorp and OMIM); PubMed 8990013 (cited by 3 submitters); PubMed 22330942 (cited by Labcorp Genetics (formerly Invitae), Labcorp); PubMed 23430547 (cited by Labcorp Genetics (formerly Invitae), Labcorp); PubMed 26351554 (cited by Natera, Inc. and Cellular and Molecular Research Center, Cellular and Molecular Medicine Research Institute,, Urmia University of Medical Sciences); PubMed 36646061 (cited by Quest Diagnostics Nichols Institute San Juan Capistrano); PubMed 37421234 (cited by Quest Diagnostics Nichols Institute San Juan Capistrano); PubMed 37924808 (cited by Quest Diagnostics Nichols Institute San Juan Capistrano); PubMed 32860008 (cited by Quest Diagnostics Nichols Institute San Juan Capistrano and CENTOGENE GmbH and LLC - Guiding Precision Medicine); PubMed 30389586 (cited by Quest Diagnostics Nichols Institute San Juan Capistrano and OMIM); PubMed 23348723 (cited by Quest Diagnostics Nichols Institute San Juan Capistrano); PubMed 21147011 (cited by Women's Health and Genetics/Laboratory Corporation of America, LabCorp); PubMed 19292873 (cited by Women's Health and Genetics/Laboratory Corporation of America, LabCorp); PubMed 8401510 (cited by OMIM); PubMed 8116675 (cited by OMIM); PubMed 17630668 (cited by OMIM); NCBI Bookshelf NBK1504 (cited by GeneReviews).